The following is an entry in ClinVar:

ClinVar aggregate classification (germline): Uncertain significance (1 of 4 stars; one submission).

Conditions:
Epilepsy, childhood absence, susceptibility to, 1. Also called: Epilepsy, childhood absence 1. Identifiers: Orphanet 64280, MedGen C1838604, MONDO:0020759, OMIM 600131.
Epilepsy, childhood absence, susceptibility to, 5. Identifiers: Orphanet 64280, MedGen C2677087, MONDO:0012843, OMIM 612269.

Submission:

Labcorp Genetics (formerly Invitae), Labcorp
Classification: Uncertain significance for Epilepsy, childhood absence, susceptibility to, 5; Epilepsy, childhood absence, susceptibility to, 1. Last evaluated: 2025-07-15. Review status: criteria provided, single submitter. Criteria: Invitae Variant Classification Sherloc (09022015). Collection method: clinical testing. Allele origin: germline.
Comment: This sequence change replaces aspartic acid, which is acidic and polar, with glutamic acid, which is acidic and polar, at codon 30 of the GABRB3 protein (p.Asp30Glu). This variant is not present in population databases (gnomAD no frequency). This variant has not been reported in the literature in individuals affected with GABRB3-related conditions. Invitae Evidence Modeling of protein sequence and biophysical properties (such as structural, functional, and spatial information, amino acid conservation, physicochemical variation, residue mobility, and thermodynamic stability) indicates that this missense variant is not expected to disrupt GABRB3 protein function with a negative predictive value of 95%. In summary, the available evidence is currently insufficient to determine the role of this variant in disease. Therefore, it has been classified as a Variant of Uncertain Significance.

NM_000814.6(GABRB3):c.90T>A (p.Asp30Glu)

Gene: GABRB3 (gamma-aminobutyric acid type A receptor subunit beta3; minus strand). Cytogenetic location: 15q12.
Variant type: single nucleotide variant.
Coding change: c.90T>A on transcript NM_000814.6 (MANE Select); coding-DNA position 90, T replaced by A.
Protein change: p.Asp30Glu; replaces aspartic acid 30 with glutamic acid.
Molecular consequence: missense variant. On other transcripts: 5 prime UTR variant (1).
Genome position (GRCh38, 1-based): chr15:26,772,763, A>T on the plus strand (T>A on the coding strand, the complement: GABRB3 is on the minus strand). VCF-style: chr15-26772763-A-T. GRCh37 (hg19) VCF-style: chr15-27017910-A-T.
Other names: c.-262T>A (NM_001278631.2); c.90T>A, p.Asp30Glu (NM_021912.5); short protein forms D30E.
Identifiers: ClinVar variation 4789624 (VCV004789624.1).